The following is an entry in ClinVar:

NM_001374736.1(DST):c.18757G>A (p.Glu6253Lys)

Gene: DST (dystonin; minus strand). Cytogenetic location: 6p12.1.
Variant type: single nucleotide variant.
Coding change: c.18757G>A on transcript NM_001374736.1 (MANE Select); coding-DNA position 18757, G replaced by A.
Protein change: p.Glu6253Lys; replaces glutamic acid 6253 with lysine.
Molecular consequence: missense variant.
Genome position (GRCh38, 1-based): chr6:56,511,220, C>T on the plus strand (G>A on the coding strand, the complement: DST is on the minus strand). VCF-style: chr6-56511220-C-T. GRCh37 (hg19) VCF-style: chr6-56376018-C-T.
Other names: c.12400G>A, p.Glu4134Lys (NM_001144769.5); c.11986G>A, p.Glu3996Lys (NM_001144770.2); c.18757G>A, p.Glu6253Lys (NM_001374722.1); c.17797G>A, p.Glu5933Lys (NM_001374729.1); c.11539G>A, p.Glu3847Lys (NM_001374730.1); c.18784G>A, p.Glu6262Lys (NM_001374734.1); c.11866G>A, p.Glu3956Lys (NM_001386100.1, NM_183380.4); c.10888G>A, p.Glu3630Lys (NM_015548.5); short protein forms E3630K, E3847K, E3996K, E6253K, E6262K, E3956K, E4134K, E5933K.
Identifiers: ClinVar variation 1758117 (VCV001758117.2), dbSNP rs768294461, ClinGen allele CA3867159.

ClinVar aggregate classification (germline): Uncertain significance (1 of 4 stars; one submission).

Conditions:
Inborn genetic diseases. Identifiers: MedGen C0950123, MeSH D030342.

Allele frequency attached by ClinVar (database versions not stated): gnomAD 0.00001; gnomAD exomes 0.00001; TOPMed 0.00001; ExAC 0.00003.

Submission:

Ambry Genetics
Classification: Uncertain significance for Inborn genetic diseases. Last evaluated: 2020-02-12. Review status: criteria provided, single submitter. Criteria: Ambry Variant Classification Scheme 2023. Collection method: clinical testing. Allele origin: germline.
Comment: The p.E4134K variant (also known as c.12400G>A), located in coding exon 67 of the DST gene, results from a G to A substitution at nucleotide position 12400. The glutamic acid at codon 4134 is replaced by lysine, an amino acid with similar properties. This amino acid position is well conserved in available vertebrate species. In addition, the in silico prediction for this alteration is inconclusive. Since supporting evidence is limited at this time, the clinical significance of this alteration remains unclear.